The following is an entry in ClinVar:

NM_004990.4(MARS1):c.1318T>G (p.Ser440Ala)

Gene: MARS1 (methionyl-tRNA synthetase 1; plus strand). Cytogenetic location: 12q13.3.
Variant type: single nucleotide variant.
Coding change: c.1318T>G on transcript NM_004990.4 (MANE Select); coding-DNA position 1318, T replaced by G.
Protein change: p.Ser440Ala; replaces serine 440 with alanine.
Molecular consequence: missense variant.
Genome position (GRCh38, 1-based): chr12:57,504,249, T>G. VCF-style: chr12-57504249-T-G. GRCh37 (hg19) VCF-style: chr12-57898032-T-G.
Other names: short protein forms S440A.
Identifiers: ClinVar variation 1001765 (VCV001001765.6), dbSNP rs1359914043, ClinGen allele CA385458880.

ClinVar aggregate classification (germline): Uncertain significance (1 of 4 stars; one submission).

Conditions:
Severe early-onset pulmonary alveolar proteinosis due to MARS deficiency. Also called: PULMONARY ALVEOLAR PROTEINOSIS, REUNION ISLAND; Interstitial lung and liver disease. Identifiers: Orphanet 440427, MedGen C4225400, MONDO:0014206, OMIM 615486.
Charcot-Marie-Tooth disease axonal type 2U. Also called: CHARCOT-MARIE-TOOTH NEUROPATHY, TYPE 2U; CHARCOT-MARIE-TOOTH DISEASE, AXONAL, AUTOSOMAL DOMINANT, TYPE 2U. Identifiers: Orphanet 397735, MedGen C4084821, MONDO:0014566, OMIM 616280.

Allele frequency attached by ClinVar (database versions not stated): gnomAD 0.00001; TOPMed 0.00001.

Submission:

Labcorp Genetics (formerly Invitae), Labcorp
Classification: Uncertain significance for Charcot-Marie-Tooth disease axonal type 2U; Severe early-onset pulmonary alveolar proteinosis due to MARS deficiency. Last evaluated: 2023-09-23. Review status: criteria provided, single submitter. Criteria: Invitae Variant Classification Sherloc (09022015). Collection method: clinical testing. Allele origin: germline.
Comment: This sequence change replaces serine, which is neutral and polar, with alanine, which is neutral and non-polar, at codon 440 of the MARS protein (p.Ser440Ala). This variant is present in population databases (no rsID available, gnomAD 0.007%). In summary, the available evidence is currently insufficient to determine the role of this variant in disease. Therefore, it has been classified as a Variant of Uncertain Significance. An algorithm developed to predict the effect of missense changes on protein structure and function (PolyPhen-2) suggests that this variant is likely to be tolerated. ClinVar contains an entry for this variant (Variation ID: 1001765). This variant has not been reported in the literature in individuals affected with MARS-related conditions.